The following is an entry in ClinVar:

NM_000474.4(TWIST1):c.406C>G (p.Pro136Ala)

Gene: TWIST1 (twist family bHLH transcription factor 1; minus strand). Cytogenetic location: 7p21.1.
Variant type: single nucleotide variant.
Coding change: c.406C>G on transcript NM_000474.4 (MANE Select); coding-DNA position 406, C replaced by G.
Protein change: p.Pro136Ala; replaces proline 136 with alanine.
Molecular consequence: missense variant. On other transcripts: non-coding transcript variant (1).
Genome position (GRCh38, 1-based): chr7:19,116,916, G>C on the plus strand (C>G on the coding strand, the complement: TWIST1 is on the minus strand). VCF-style: chr7-19116916-G-C. GRCh37 (hg19) VCF-style: chr7-19156539-G-C.
Other names: short protein forms P136A.
Identifiers: ClinVar variation 2925392 (VCV002925392.3), dbSNP rs1585616989, ClinGen allele CA367015507.

ClinVar aggregate classification (germline): Likely pathogenic (1 of 4 stars; one submission).

Conditions:
TWIST1-related craniosynostosis (CRS1). Also called: CRANIOSYNOSTOSIS 1. Identifiers: Orphanet 63440, MedGen C4551902, MONDO:0007399, OMIM 123100. Inheritance: Heterogenous inheritance pattern.
Saethre-Chotzen syndrome (SCS). Also called: ACROCEPHALY, SKULL ASYMMETRY, AND MILD SYNDACTYLY; ACS III; CHOTZEN SYNDROME. Identifiers: Orphanet 794, MedGen C0175699, MONDO:0007042, OMIM 101400.

Submission:

Labcorp Genetics (formerly Invitae), Labcorp
Classification: Likely pathogenic for TWIST1-related craniosynostosis; Saethre-Chotzen syndrome. Last evaluated: 2024-04-15. Review status: criteria provided, single submitter. Criteria: Invitae Variant Classification Sherloc (09022015). Collection method: clinical testing. Allele origin: germline.
Comment: This sequence change replaces proline, which is neutral and non-polar, with alanine, which is neutral and non-polar, at codon 136 of the TWIST1 protein (p.Pro136Ala). This variant is not present in population databases (gnomAD no frequency). This missense change has been observed in individual(s) with clinical features of Saethre-Chotzen syndrome (PMID: 33369125; Invitae). It has also been observed to segregate with disease in related individuals. An algorithm developed to predict the effect of missense changes on protein structure and function (PolyPhen-2) suggests that this variant is likely to be disruptive. This variant disrupts the p.Pro136 amino acid residue in TWIST1. Other variant(s) that disrupt this residue have been observed in individuals with TWIST1-related conditions (PMID: 9792856, 31754721), which suggests that this may be a clinically significant amino acid residue. In summary, the currently available evidence indicates that the variant is pathogenic, but additional data are needed to prove that conclusively. Therefore, this variant has been classified as Likely Pathogenic.

Literature cited by the submitters: PubMed 33369125; PubMed 9792856; PubMed 31754721.